The following is an entry in ClinVar:

NM_000548.5(TSC2):c.3783C>T (p.Ala1261=)

Gene: TSC2 (TSC complex subunit 2; plus strand). Cytogenetic location: 16p13.3.
Variant type: single nucleotide variant.
Coding change: c.3783C>T on transcript NM_000548.5 (MANE Select); coding-DNA position 3783, C replaced by T.
Protein change: p.Ala1261=; no amino-acid change (alanine 1261 retained).
Molecular consequence: synonymous variant.
Genome position (GRCh38, 1-based): chr16:2,081,767, C>T. VCF-style: chr16-2081767-C-T. GRCh37 (hg19) VCF-style: chr16-2131768-C-T.
Other names: c.3783C>T (NM_000548.3); c.3651C>T, p.Ala1217= (NM_001077183.3, NM_001370404.1); c.3783C>T, p.Ala1261= (NM_001114382.3); c.3543C>T, p.Ala1181= (NM_001318827.2); c.3507C>T, p.Ala1169= (NM_001318829.2); c.3051C>T, p.Ala1017= (NM_001318831.2); c.3684C>T, p.Ala1228= (NM_001318832.2); c.3654C>T, p.Ala1218= (NM_001363528.2, NM_001370405.1, NM_021055.3).
Identifiers: ClinVar variation 1097513 (VCV001097513.13), dbSNP rs2090170500, ClinGen allele CA493043260.

ClinVar aggregate classification (germline): Benign/Likely benign. Review status: criteria provided, multiple submitters, no conflicts (2 of 4 stars). 4 submissions from 4 submitters: Benign (1); Likely benign (3). Last evaluated 2025-11-12.

Conditions:
Hereditary cancer-predisposing syndrome. Also called: Neoplastic Syndromes, Hereditary; Hereditary neoplastic syndrome; Hereditary Cancer Syndrome; Tumor predisposition. Identifiers: Orphanet 140162, MedGen C0027672, MeSH D009386, MONDO:0015356.
Tuberous sclerosis syndrome (TSC). Also called: Tuberous Sclerosis Complex; Tuberous sclerosis. Identifiers: Orphanet 805, MedGen C0041341, MONDO:0001734.
Tuberous sclerosis 2 (TSC2). Identifiers: Orphanet 805, MedGen C1860707, MONDO:0013199, OMIM 613254.

Allele frequency attached by ClinVar (database versions not stated): gnomAD 0.00001; TOPMed 0.00001.
gnomAD v4.1: 1 of 1,612,606 alleles (0.000062%); highest among the groups gnomAD compares: African/African-American, 0.0013%; no homozygotes.

Submissions (4):

Labcorp Genetics (formerly Invitae), Labcorp
Classification: Likely benign for Tuberous sclerosis 2. Last evaluated: 2025-11-12. Review status: criteria provided, single submitter. Criteria: Invitae Variant Classification Sherloc (09022015). Collection method: clinical testing. Allele origin: germline.

Myriad Genetics, Inc.
Classification: Benign for Tuberous sclerosis 2. Last evaluated: 2025-05-30. Review status: criteria provided, single submitter. Criteria: Myriad Autosomal Dominant, Autosomal Recessive and X-Linked Classification Criteria (2023). Collection method: clinical testing. Allele origin: unknown.
Comment: This variant is considered benign. This variant is a silent/synonymous amino acid change and it is not expected to impact splicing.

Ambry Genetics
Classification: Likely benign for Hereditary cancer-predisposing syndrome. Last evaluated: 2024-07-05. Review status: criteria provided, single submitter. Criteria: Ambry Variant Classification Scheme 2023. Collection method: clinical testing. Allele origin: germline.

All of Us Research Program, National Institutes of Health
Classification: Likely benign for Tuberous sclerosis syndrome. Last evaluated: 2024-03-14. Review status: criteria provided, single submitter. Criteria: ACMG Guidelines, 2015. Collection method: clinical testing. Allele origin: germline. Inheritance: Autosomal dominant inheritance. Observed: 1 variant allele, 1 heterozygote.
Comment: This study involves interpretation of variants in research participants for the purpose of population health screening. Participant phenotype was not available at the time of variant classification. Additional details can be found in publication PMID: 35346344, PMCID: PMC8962531